The following is an entry in ClinVar:

NM_002907.4(RECQL):c.1447+3_1447+6del

Gene: RECQL (RecQ like helicase; minus strand). Cytogenetic location: 12p12.1.
Variant type: Deletion.
Coding change: c.1447+3_1447+6del on transcript NM_002907.4 (MANE Select); bases 3 to 6 of the intron after coding-DNA position 1447, 4 bases deleted (GAGT; older notation c.1447+3_1447+6delGAGT).
Molecular consequence: splice donor variant.
Genome position (GRCh38, 1-based): chr12:21,473,545-21,473,548, ACTC deleted on the plus strand (GAGT on the coding strand, the reverse complement: RECQL is on the minus strand); deleting any 4 consecutive bases within chr12:21,473,545-21,473,550 gives the same sequence; the c. name uses the placement nearest the transcript's 3' end. VCF-style (leftmost placement, unchanged base first): chr12-21473544-AACTC-A. GRCh37 (hg19) VCF-style: chr12-21626478-AACTC-A.
Other names: c.1447+3_1447+6del (NM_032941.3, NM_002907.3).
Identifiers: ClinVar variation 1061544 (VCV001061544.13), dbSNP rs1235119051, ClinGen allele CA686394758.

ClinVar aggregate classification (germline): Uncertain significance. Review status: criteria provided, multiple submitters, no conflicts (2 of 4 stars). 3 submissions from 3 submitters: Uncertain significance (3). Last evaluated 2025-03-05.

Submissions (3):

Quest Diagnostics Nichols Institute San Juan Capistrano
Classification: Uncertain significance. Last evaluated: 2025-03-05. Review status: criteria provided, single submitter. Criteria: Quest Diagnostics criteria. Collection method: clinical testing. Allele origin: unknown.
Comment: The RECQL c.1447+3_1447+6del variant has not been reported in individuals with RECQL-related conditions in the published literature. It also has not been reported in large, multi-ethnic general populations (Genome Aggregation Database). Analysis of this variant using software algorithms for the prediction of the effect of nucleotide changes on splicing yielded predictions that this variant may affect proper RECQL mRNA splicing. Based on the available information, we are unable to determine the clinical significance of this variant.

Labcorp Genetics (formerly Invitae), Labcorp
Classification: Uncertain significance. Last evaluated: 2020-03-08. Review status: criteria provided, single submitter. Criteria: Invitae Variant Classification Sherloc (09022015). Collection method: clinical testing. Allele origin: germline.
Comment: This sequence change falls in intron 12 of the RECQL gene. It does not directly change the encoded amino acid sequence of the RECQL protein, but it affects a nucleotide within the consensus splice site of the intron. This variant is not present in population databases (ExAC no frequency). In summary, the available evidence is currently insufficient to determine the role of this variant in disease. Therefore, it has been classified as a Variant of Uncertain Significance. Nucleotide substitutions within the consensus splice site are a relatively common cause of aberrant splicing (PMID: 17576681, 9536098). Algorithms developed to predict the effect of sequence changes on RNA splicing suggest that this variant may disrupt the consensus splice site, but this prediction has not been confirmed by published transcriptional studies. This variant has not been reported in the literature in individuals with RECQL-related conditions.

GeneDx
Classification: Uncertain significance. Last evaluated: 2020-01-16. Review status: criteria provided, single submitter. Criteria: GeneDx Variant Classification Process June 2021. Collection method: clinical testing. Allele origin: germline. Affected: yes.
Comment: Has not been previously published as pathogenic or benign to our knowledge; Not observed in large population cohorts (Lek 2016); In silico analysis, which includes splice predictors and evolutionary conservation, supports a deleterious effect

Literature cited by the submitters: PubMed 17576681 (cited by Labcorp Genetics (formerly Invitae), Labcorp); PubMed 9536098 (cited by Labcorp Genetics (formerly Invitae), Labcorp).